The following is an entry in ClinVar:

ClinVar aggregate classification (germline): Uncertain significance (1 of 4 stars; one submission).

Conditions:
Methylcobalamin deficiency type cblG (HMAG). Also called: HOMOCYSTINURIA-MEGALOBLASTIC ANEMIA, cblG COMPLEMENTATION TYPE; HOMOCYSTINURIA-MEGALOBLASTIC ANEMIA DUE TO DEFECT IN COBALAMIN METABOLISM, cblG COMPLEMENTATION TYPE; HOMOCYSTINURIA-MEGALOBLASTIC ANEMIA, cblG TYPE; Functional methionine synthase deficiency type cblG. Identifiers: Orphanet 2170, Orphanet 622, MedGen C1855128, MONDO:0009609, OMIM 250940.

Submission:

Labcorp Genetics (formerly Invitae), Labcorp
Classification: Uncertain significance for Methylcobalamin deficiency type cblG. Last evaluated: 2021-08-10. Review status: criteria provided, single submitter. Criteria: Invitae Variant Classification Sherloc (09022015). Collection method: clinical testing. Allele origin: germline.
Comment: This variant is not present in population databases (ExAC no frequency). This sequence change replaces serine with proline at codon 1198 of the MTR protein (p.Ser1198Pro). The serine residue is weakly conserved and there is a moderate physicochemical difference between serine and proline. This variant has not been reported in the literature in individuals affected with MTR-related conditions. In summary, the available evidence is currently insufficient to determine the role of this variant in disease. Therefore, it has been classified as a Variant of Uncertain Significance. Algorithms developed to predict the effect of missense changes on protein structure and function (SIFT, PolyPhen-2, Align-GVGD) all suggest that this variant is likely to be tolerated.

NM_000254.3(MTR):c.3592T>C (p.Ser1198Pro)

Gene: MTR (5-methyltetrahydrofolate-homocysteine methyltransferase; plus strand). Cytogenetic location: 1q43.
Variant type: single nucleotide variant.
Coding change: c.3592T>C on transcript NM_000254.3 (MANE Select); coding-DNA position 3592, T replaced by C.
Protein change: p.Ser1198Pro; replaces serine 1198 with proline.
Molecular consequence: missense variant.
Genome position (GRCh38, 1-based): chr1:236,895,544, T>C. VCF-style: chr1-236895544-T-C. GRCh37 (hg19) VCF-style: chr1-237058844-T-C.
Other names: c.3439T>C, p.Ser1147Pro (NM_001291939.1); c.2371T>C, p.Ser791Pro (NM_001291940.2); short protein forms S791P, S1147P, S1198P.
Identifiers: ClinVar variation 1409548 (VCV001409548.6), dbSNP rs2147955084, ClinGen allele CA345390597.
Genomic context (GRCh38, chr1:236,895,544, plus strand): 5'-CCCAGCCAGCCCGACCACACCGAGAAGCTCACCATGTGGAGACTCGCAGACATCGAGCAG[T>C]CTACAGGTAGGAGCCAGGAGGCTGCGGGTTCCTGTCTTCCTTCTTCAGTAGATACTCTTA-3'
Protein context (NP_000245.2, residues 1188-1208): TMWRLADIEQ[Ser1198Pro]TGIRLTESLA